The following is an entry in ClinVar:

ClinVar aggregate classification (germline): Pathogenic (1 of 4 stars; one submission).

Conditions:
Interstitial lung disease due to ABCA3 deficiency. Also called: PULMONARY ALVEOLAR PROTEINOSIS, CONGENITAL, 3. Identifiers: Orphanet 440402, MedGen C1970456, MONDO:0012582, OMIM 610921.

Submission:

Myriad Genetics, Inc.
Classification: Pathogenic for Interstitial lung disease due to ABCA3 deficiency. Last evaluated: 2024-05-06. Review status: criteria provided, single submitter. Criteria: Myriad Autosomal Dominant, Autosomal Recessive and X-Linked Classification Criteria (2023). Collection method: clinical testing. Allele origin: unknown.
Comment: NM_001089.2(ABCA3):c.3795C>A(Y1265*) is expected to be pathogenic in the context of surfactant deficiency, ABCA3-related. This variant is predicted to lead to an abnormal or absent protein product due to the creation of a premature termination codon in ABCA3, a gene where loss-of-function variants are known to be pathogenic. Please note: this variant was assessed in the context of healthy population screening.

NM_001089.3(ABCA3):c.3795C>A (p.Tyr1265Ter)

Gene: ABCA3 (ATP binding cassette subfamily A member 3; minus strand). Cytogenetic location: 16p13.3.
Variant type: single nucleotide variant.
Coding change: c.3795C>A on transcript NM_001089.3 (MANE Select); coding-DNA position 3795, C replaced by A.
Protein change: p.Tyr1265Ter; replaces tyrosine 1265 with a stop codon.
Molecular consequence: nonsense.
Genome position (GRCh38, 1-based): chr16:2,284,346, G>T on the plus strand (C>A on the coding strand, the complement: ABCA3 is on the minus strand). VCF-style: chr16-2284346-G-T. GRCh37 (hg19) VCF-style: chr16-2334347-G-T.
Other names: short protein forms Y1265*.
Identifiers: ClinVar variation 5013011 (VCV005013011.1).